The following is an entry in ClinVar:

ClinVar aggregate classification (germline): Uncertain significance (1 of 4 stars; one submission).

Submission:

GeneDx
Classification: Uncertain significance. Last evaluated: 2026-06-04. Review status: criteria provided, single submitter. Criteria: GeneDx Variant Classification Process June 2021. Collection method: clinical testing. Allele origin: germline.
Comment: Not observed at significant frequency in large population cohorts (gnomAD); In silico analysis suggests that this missense variant does not alter protein structure/function; Has not been previously published as pathogenic or benign to our knowledge

NM_138711.6(PPARG):c.800C>T (p.Pro267Leu)

Gene: PPARG (peroxisome proliferator activated receptor gamma; plus strand). Cytogenetic location: 3p25.2.
Variant type: single nucleotide variant.
Coding change: c.800C>T on transcript NM_138711.6 (MANE Select); coding-DNA position 800, C replaced by T.
Protein change: p.Pro267Leu; replaces proline 267 with leucine.
Molecular consequence: missense variant. On other transcripts: intron variant (5).
Genome position (GRCh38, 1-based): chr3:12,416,774, C>T. VCF-style: chr3-12416774-C-T. GRCh37 (hg19) VCF-style: chr3-12458273-C-T.
Other names: c.800C>T, p.Pro267Leu (NM_001354666.3, NM_001354667.3, NM_001374263.2 and 3 more transcripts); c.173C>T, p.Pro58Leu (NM_001354669.2); c.890C>T, p.Pro297Leu (NM_015869.5); c.729+10693C>T (NM_001374261.3, NM_001374262.3, NM_001330615.4); c.653+10775C>T (NM_001374266.1); c.819+10693C>T (NM_001374265.1); short protein forms P267L, P297L, P58L.
Identifiers: ClinVar variation 4282327 (VCV004282327.2).